The following is an entry in ClinVar:

NM_001130004.2(ACTN1):c.313G>A (p.Val105Ile)

Gene: ACTN1 (actinin alpha 1; minus strand). Cytogenetic location: 14q24.1.
Variant type: single nucleotide variant.
Coding change: c.313G>A on transcript NM_001130004.2 (MANE Select); coding-DNA position 313, G replaced by A.
Protein change: p.Val105Ile; replaces valine 105 with isoleucine.
Molecular consequence: missense variant.
Genome position (GRCh38, 1-based): chr14:68,921,033, C>T on the plus strand (G>A on the coding strand, the complement: ACTN1 is on the minus strand). VCF-style: chr14-68921033-C-T. GRCh37 (hg19) VCF-style: chr14-69387750-C-T.
Other names: c.313G>A, p.Val105Ile (NM_001102.4, NM_001130005.2); short protein forms V105I.
Identifiers: ClinVar variation 42028 (VCV000042028.12), dbSNP rs387907345, ClinGen allele CA130958.
Genomic context (GRCh38, chr14:68,921,033, plus strand): 5'-AGGCTCCTTGGGGCCACCAGAGGTAGGCCTTACCTTCGGCTCCGATGGACACCAGTTTGA[C>T]GCCTTTGCTGGCTATGAAATCCAGGGCCTTGTTGACGTTGGAGATCTTGTGCACTCTCAT-3'
Protein context (NP_001123476.1, residues 95-115): KALDFIASKG[Val105Ile]KLVSIGAEEI

ClinVar aggregate classification (germline): Pathogenic/Likely pathogenic. Review status: criteria provided, multiple submitters, no conflicts (2 of 4 stars). 6 submissions from 6 submitters: Pathogenic (4); Likely pathogenic (1). 1 of the submissions does not count toward it. Last evaluated 2025-12-09.

Conditions:
Macrothrombocytopenia. Identifiers: MedGen C2751260, HP:0040185.
Platelet-type bleeding disorder 15 (BDPLT15). Also called: MACROTHROMBOCYTOPENIA, AUTOSOMAL DOMINANT, ACTN1-RELATED. Identifiers: Orphanet 140957, MedGen C3554663, MONDO:0014078, OMIM 615193.

Allele frequency attached by ClinVar (database versions not stated): gnomAD exomes below 0.00001.
gnomAD v4.1: 2 of 1,614,140 alleles (0.00012%); highest among the groups gnomAD compares: Non-Finnish European, 0.00017%; no homozygotes.

Submissions (6):

Women's Health and Genetics/Laboratory Corporation of America, LabCorp
Classification: Pathogenic for Platelet-type bleeding disorder 15. Last evaluated: 2025-12-09. Review status: criteria provided, single submitter. Criteria: LabCorp Variant Classification Summary - May 2015. Collection method: clinical testing. Allele origin: germline.
Comment: Variant summary: ACTN1 c.313G>A (p.Val105Ile) results in a conservative amino acid change in the encoded protein sequence. Algorithms developed to predict the effect of missense changes on protein structure and function are either unavailable or do not agree on the potential impact of this missense change. The variant was absent in 251280 control chromosomes (gnomAD). c.313G>A has been observed in multiple individuals affected with Platelet-type bleeding disorder 15 (e.g. Kunishima_2013, Westbury_2015, Faleschini_2018, Downes_2019). These data indicate that the variant is very likely to be associated with disease. At least one publication reports experimental evidence evaluating an impact on protein function, finding that the variant resulted in disorganization of the actin filaments (Kunishima_2013). The following publications have been ascertained in the context of this evaluation (PMID: 23434115, 25949529, 30351444, 31064749). ClinVar contains an entry for this variant (Variation ID: 42028). Based on the evidence outlined above, the variant was classified as pathogenic.

Labcorp Genetics (formerly Invitae), Labcorp
Classification: Pathogenic. Last evaluated: 2024-04-22. Review status: criteria provided, single submitter. Criteria: Invitae Variant Classification Sherloc (09022015). Collection method: clinical testing. Allele origin: germline.
Comment: This sequence change replaces valine, which is neutral and non-polar, with isoleucine, which is neutral and non-polar, at codon 105 of the ACTN1 protein (p.Val105Ile). This variant is not present in population databases (gnomAD no frequency). This missense change has been observed in individual(s) with thrombocytopenia (PMID: 23434115, 25949529, 30351444, 31064749, 31237726; Invitae). It has also been observed to segregate with disease in related individuals. ClinVar contains an entry for this variant (Variation ID: 42028). Advanced modeling of protein sequence and biophysical properties (such as structural, functional, and spatial information, amino acid conservation, physicochemical variation, residue mobility, and thermodynamic stability) has been performed at Invitae for this missense variant, however the output from this modeling did not meet the statistical confidence thresholds required to predict the impact of this variant on ACTN1 protein function. Experimental studies have shown that this missense change affects ACTN1 function (PMID: 23434115, 26453073). For these reasons, this variant has been classified as Pathogenic.

NIHR Bioresource Rare Diseases, University of Cambridge
Classification: Likely pathogenic for Macrothrombocytopenia. Last evaluated: 2019-02-01. Review status: criteria provided, single submitter. Criteria: ACMG Guidelines, 2015. Collection method: research. Allele origin: unknown. Affected: yes. Observed: 1 heterozygote. Study: ThromboGenomics.

HudsonAlpha Institute for Biotechnology
Classification: Pathogenic for Platelet-type bleeding disorder 15. Last evaluated: 2015-11-12. Review status: criteria provided, single submitter. Criteria: HA_assertions_20150911. Collection method: research. Allele origin: unknown. Observed: 1 variant allele. Study: CSER-HudsonAlpha.

ISTH-SSC Genomics in Thrombosis and Hemostasis, KU Leuven, Center for Molecular and Vascular Biology
Classification: Pathogenic for Platelet-type bleeding disorder 15. Review status: criteria provided, single submitter. Criteria: ACMG Guidelines, 2015. Collection method: clinical testing. Allele origin: germline. Affected: yes. Observed: 1 heterozygote.
Comment: Submitted to GoldVariant by Jose María Bastida and José Rivera; Grupo Español de Alteraciones Plaquetarias Congénitas (GEAPC)

OMIM
Classification: Pathogenic for BLEEDING DISORDER, PLATELET-TYPE, 15. Last evaluated: 2013-03-07. Review status: no assertion criteria provided. Collection method: literature only. Allele origin: germline. Not counted in ClinVar's aggregate classification.

Literature cited by the submitters: PubMed 31064749 (cited by 4 submitters); PubMed 25949529 (cited by Women's Health and Genetics/Laboratory Corporation of America, LabCorp and Labcorp Genetics (formerly Invitae), Labcorp); PubMed 30351444 (cited by Women's Health and Genetics/Laboratory Corporation of America, LabCorp and Labcorp Genetics (formerly Invitae), Labcorp); PubMed 23434115 (cited by 3 submitters); PubMed 31237726 (cited by Labcorp Genetics (formerly Invitae), Labcorp); PubMed 26453073 (cited by Labcorp Genetics (formerly Invitae), Labcorp).